The following is an entry in ClinVar:

ClinVar aggregate classification (germline): Uncertain significance. Review status: criteria provided, single submitter (1 of 4 stars). 2 submissions from 2 submitters: Uncertain significance (1). 1 of the submissions does not count toward it. Last evaluated 2022-02-10.

Conditions:
Megalencephalic leukoencephalopathy with subcortical cysts 1 (MLC1). Also called: LEUKOENCEPHALOPATHY WITH SWELLING AND CYSTS; VACUOLATING MEGALENCEPHALIC LEUKOENCEPHALOPATHY WITH SUBCORTICAL CYSTS. Identifiers: Orphanet 2478, MedGen C5779875, MONDO:0024555, OMIM 604004.

Submissions (2):

Labcorp Genetics (formerly Invitae), Labcorp
Classification: Uncertain significance. Last evaluated: 2022-02-10. Review status: criteria provided, single submitter. Criteria: Invitae Variant Classification Sherloc (09022015). Collection method: clinical testing. Allele origin: germline.
Comment: Experimental studies and prediction algorithms are not available or were not evaluated, and the functional significance of this variant is currently unknown. In summary, the available evidence is currently insufficient to determine the role of this variant in disease. Therefore, it has been classified as a Variant of Uncertain Significance. This variant has not been reported in the literature in individuals affected with MLC1-related conditions. This variant, c.921_929dup, results in the insertion of 3 amino acid(s) of the MLC1 protein (p.Leu308_Leu310dup), but otherwise preserves the integrity of the reading frame. This variant is not present in population databases (gnomAD no frequency).

Counsyl
Classification: Uncertain significance for Megalencephalic leukoencephalopathy with subcortical cysts 1. Last evaluated: 2017-04-24. Review status: no assertion criteria provided. Collection method: clinical testing. Allele origin: unknown. Not counted in ClinVar's aggregate classification.

NM_015166.4(MLC1):c.909GCT[10] (p.Leu308_Leu310dup)

Gene: MLC1 (modulator of VRAC current 1; minus strand). Cytogenetic location: 22q13.33.
Variant type: Microsatellite.
Coding change: c.909GCT[10] on transcript NM_015166.4 (MANE Select); ten copies in a row of the 3-base unit GCT starting at c.909; the reference has seven copies in a row; three copies, 9 bases duplicated.
Protein change: p.Leu308_Leu310dup.
Molecular consequence: inframe insertion. On other transcripts: non-coding transcript variant (3).
Genome position (GRCh38, 1-based): chr22:50,064,164-50,064,172, AGCAGCAGC duplicated on the plus strand (GCTGCTGCT on the coding strand, the reverse complement: MLC1 is on the minus strand); duplicating any 9 consecutive bases within chr22:50,064,164-50,064,185 gives the same sequence; the position shown is the placement nearest the transcript's 3' end. VCF-style (leftmost placement, unchanged base first): chr22-50064163-T-TAGCAGCAGC. GRCh37 (hg19) VCF-style: chr22-50502592-T-TAGCAGCAGC.
Other names: c.909GCT[10], p.Leu308_Leu310dup (NM_001376472.1, NM_001376473.1, NM_001376474.1 and 5 more transcripts); c.852GCT[10], p.Leu289_Leu291dup (NM_001376479.1); c.819GCT[10], p.Leu278_Leu280dup (NM_001376480.1); c.807GCT[10], p.Leu274_Leu276dup (NM_001376481.1); c.753GCT[10], p.Leu256_Leu258dup (NM_001376482.1, NM_001376483.1); c.672GCT[10], p.Leu229_Leu231dup (NM_001376484.1).
Identifiers: ClinVar variation 551409 (VCV000551409.7), dbSNP rs761096481, ClinGen allele CA658824585.